The following is an entry in ClinVar:

NM_001378615.1(CC2D2A):c.2888C>T (p.Thr963Ile)

Genes: CC2D2A (coiled-coil and C2 domain containing 2A; plus strand), FBXL5 (F-box and leucine rich repeat protein 5; minus strand). Cytogenetic location: 4p15.32.
Variant type: single nucleotide variant.
Coding change: c.2888C>T on transcript NM_001378615.1 (MANE Select); coding-DNA position 2888, C replaced by T.
Protein change: p.Thr963Ile; replaces threonine 963 with isoleucine.
Molecular consequence: missense variant.
Genome position (GRCh38, 1-based): chr4:15,559,223, C>T. VCF-style: chr4-15559223-C-T. GRCh37 (hg19) VCF-style: chr4-15560846-C-T.
Other names: c.2888C>T, p.Thr963Ile (NM_001080522.2); c.2741C>T, p.Thr914Ile (NM_001378617.1); short protein forms T914I, T963I.
Identifiers: ClinVar variation 2417445 (VCV002417445.41), dbSNP rs774214294, ClinGen allele CA2864028.

ClinVar aggregate classification (germline): Uncertain significance. Review status: criteria provided, multiple submitters, no conflicts (2 of 4 stars). 2 submissions from 2 submitters: Uncertain significance (2). Last evaluated 2026-02-06.

Conditions:
Joubert syndrome. Also called: JOUBERT-BOLTSHAUSER SYNDROME; Familial aplasia of the vermis. Identifiers: Orphanet 475, MedGen C5979921, MONDO:0018772.
Meckel-Gruber syndrome. Also called: DYSENCEPHALIA SPLANCHNOCYSTICA; GRUBER SYNDROME; Dysencephalia splachnocystica. Identifiers: Orphanet 564, MedGen C0265215, MONDO:0018921.

Allele frequency attached by ClinVar (database versions not stated): gnomAD exomes below 0.00001; ExAC 0.00004.
gnomAD v4.1: 3 of 1,553,886 alleles (0.00019%); highest among the groups gnomAD compares: Non-Finnish European, 0.00017%; no homozygotes.

Submissions (2):

GeneDx
Classification: Uncertain significance. Last evaluated: 2026-02-06. Review status: criteria provided, single submitter. Criteria: GeneDx Variant Classification Process June 2021. Collection method: clinical testing. Allele origin: germline.
Comment: Not observed at significant frequency in large population cohorts (gnomAD); In silico analysis suggests that this missense variant does not alter protein structure/function; Has not been previously published as pathogenic or benign to our knowledge

Labcorp Genetics (formerly Invitae), Labcorp
Classification: Uncertain significance for Joubert syndrome; Meckel-Gruber syndrome. Last evaluated: 2022-05-29. Review status: criteria provided, single submitter. Criteria: Invitae Variant Classification Sherloc (09022015). Collection method: clinical testing. Allele origin: germline.
Comment: This sequence change replaces threonine, which is neutral and polar, with isoleucine, which is neutral and non-polar, at codon 963 of the CC2D2A protein (p.Thr963Ile). The frequency data for this variant in the population databases is considered unreliable, as metrics indicate poor data quality at this position in the gnomAD database. This variant has not been reported in the literature in individuals affected with CC2D2A-related conditions. Algorithms developed to predict the effect of missense changes on protein structure and function output the following: SIFT: "Tolerated"; PolyPhen-2: "Benign"; Align-GVGD: "Class C0". The isoleucine amino acid residue is found in multiple mammalian species, which suggests that this missense change does not adversely affect protein function. In summary, the available evidence is currently insufficient to determine the role of this variant in disease. Therefore, it has been classified as a Variant of Uncertain Significance.